The following is an entry in ClinVar:

NM_006231.4(POLE):c.801+18del

Gene: POLE (DNA polymerase epsilon, catalytic subunit; minus strand). Cytogenetic location: 12q24.33.
Variant type: Deletion.
Coding change: c.801+18del on transcript NM_006231.4 (MANE Select); 18 bases into the intron after coding-DNA position 801, one base deleted (T; older notation c.801+18delT).
Molecular consequence: intron variant.
Genome position (GRCh38, 1-based): chr12:132,677,345, A deleted on the plus strand (T on the coding strand, the reverse complement: POLE is on the minus strand); the first of 2 consecutive A bases (chr12:132,677,345-132,677,346); deleting either gives the same sequence. VCF-style (leftmost placement, unchanged base first): chr12-132677344-TA-T. GRCh37 (hg19) VCF-style: chr12-133253930-TA-T.
Other names: c.801+18delT (NM_006231.2, NM_006231.4).
Identifiers: ClinVar variation 420994 (VCV000420994.9), dbSNP rs780928647, ClinGen allele CA6894184.

ClinVar aggregate classification (germline): Likely benign. Review status: criteria provided, multiple submitters, no conflicts (2 of 4 stars). 3 submissions from 3 submitters: Likely benign (3). Last evaluated 2026-01-14.

Submissions (3):

Labcorp Genetics (formerly Invitae), Labcorp
Classification: Likely benign. Last evaluated: 2026-01-14. Review status: criteria provided, single submitter. Criteria: Invitae Variant Classification Sherloc (09022015). Collection method: clinical testing. Allele origin: germline.

Center for Genomic Medicine, Rigshospitalet, Copenhagen University Hospital
Classification: Likely benign. Last evaluated: 2025-12-29. Review status: criteria provided, single submitter. Criteria: ACMG Guidelines, 2015. Collection method: clinical testing. Allele origin: germline.
Comment: Classification criteria: BP4

GeneDx
Classification: Likely benign. Last evaluated: 2017-03-03. Review status: criteria provided, single submitter. Criteria: GeneDx Variant Classification (06012015). Collection method: clinical testing. Allele origin: germline. Affected: yes.
Comment: This variant is considered likely benign or benign based on one or more of the following criteria: it is a conservative change, it occurs at a poorly conserved position in the protein, it is predicted to be benign by multiple in silico algorithms, and/or has population frequency not consistent with disease.